The following is an entry in ClinVar:

NM_015072.5(TTLL5):c.103G>A (p.Gly35Ser)

Gene: TTLL5 (tubulin tyrosine ligase like 5; plus strand). Cytogenetic location: 14q24.3.
Variant type: single nucleotide variant.
Coding change: c.103G>A on transcript NM_015072.5 (MANE Select); coding-DNA position 103, G replaced by A.
Protein change: p.Gly35Ser; replaces glycine 35 with serine.
Molecular consequence: missense variant.
Genome position (GRCh38, 1-based): chr14:75,669,444, G>A. VCF-style: chr14-75669444-G-A. GRCh37 (hg19) VCF-style: chr14-76135787-G-A.
Other names: short protein forms G35S.
Identifiers: ClinVar variation 937026 (VCV000937026.9), dbSNP rs1049723430, ClinGen allele CA263701651.

ClinVar aggregate classification (germline): Uncertain significance. Review status: criteria provided, multiple submitters, no conflicts (2 of 4 stars). 2 submissions from 2 submitters: Uncertain significance (2). Last evaluated 2019-10-02.

Allele frequency attached by ClinVar (database versions not stated): gnomAD exomes below 0.00001; gnomAD 0.00001; TOPMed 0.00001.
gnomAD v4.1: 3 of 1,613,994 alleles (0.00019%); highest among the groups gnomAD compares: African/African-American, 0.0013%; no homozygotes.

Submissions (2):

Labcorp Genetics (formerly Invitae), Labcorp
Classification: Uncertain significance. Last evaluated: 2019-10-02. Review status: criteria provided, single submitter. Criteria: Invitae Variant Classification Sherloc (09022015). Collection method: clinical testing. Allele origin: germline.
Comment: This variant is not present in population databases (ExAC no frequency). This sequence change replaces glycine with serine at codon 35 of the TTLL5 protein (p.Gly35Ser). The glycine residue is moderately conserved and there is a small physicochemical difference between glycine and serine. This variant has not been reported in the literature in individuals with TTLL5-related disease. In summary, the available evidence is currently insufficient to determine the role of this variant in disease. Therefore, it has been classified as a Variant of Uncertain Significance. Algorithms developed to predict the effect of sequence changes on RNA splicing suggest that this variant may create or strengthen a splice site, but this prediction has not been confirmed by published transcriptional studies. Algorithms developed to predict the effect of missense changes on protein structure and function (SIFT, PolyPhen-2, Align-GVGD) all suggest that this variant is likely to be tolerated, but these predictions have not been confirmed by published functional studies and their clinical significance is uncertain.

Blueprint Genetics
Classification: Uncertain significance. Last evaluated: 2018-10-22. Review status: criteria provided, single submitter. Criteria: ACMG Guidelines, 2015. Collection method: clinical testing. Allele origin: germline.